The following is an entry in ClinVar:

ClinVar aggregate classification (germline): Pathogenic/Likely pathogenic. Review status: criteria provided, multiple submitters, no conflicts (2 of 4 stars). 3 submissions from 3 submitters: Pathogenic (1); Likely pathogenic (1). 1 of the submissions does not count toward it. Last evaluated 2025-12-20.

Conditions:
ASAH1-related disorders. Also called: ASAH1-related condition; ASAH1-related disorder. Identifiers: MedGen CN376120, MONDO:0800460.
Farber lipogranulomatosis (FRBRL). Also called: Farber's disease; Farber disease; AC DEFICIENCY; ACID CERAMIDASE DEFICIENCY; CERAMIDASE DEFICIENCY; N-LAURYLSPHINGOSINE DEACYLASE DEFICIENCY. Identifiers: Orphanet 333, MedGen C0268255, MONDO:0009218, OMIM 228000.
Spinal muscular atrophy-progressive myoclonic epilepsy syndrome. Also called: Spinal Muscular Atrophy with Progressive Myoclonic Epilepsy (SMA-PME); MYOCLONUS, HEREDITARY, WITH PROGRESSIVE DISTAL MUSCULAR ATROPHY; Hereditary myoclonus and progressive distal muscular atrophy; Spinal muscular atrophy with progressive myoclonic epilepsy. Identifiers: Orphanet 2590, MedGen C1834569, MONDO:0008045, OMIM 159950.

Allele frequency attached by ClinVar (database versions not stated): ExAC 0.00001; gnomAD 0.00001; gnomAD exomes 0.00001 and 0.00002; TOPMed 0.00001.
gnomAD v4.1: 27 of 1,603,442 alleles (0.0017%); highest among the groups gnomAD compares: Non-Finnish European, 0.002%; no homozygotes.

Submissions (3):

Labcorp Genetics (formerly Invitae), Labcorp
Classification: Pathogenic. Last evaluated: 2025-12-20. Review status: criteria provided, single submitter. Criteria: Invitae Variant Classification Sherloc (09022015). Collection method: clinical testing. Allele origin: germline.
Comment: This sequence change creates a premature translational stop signal (p.Trp62*) in the ASAH1 gene. It is expected to result in an absent or disrupted protein product. Loss-of-function variants in ASAH1 are known to be pathogenic (PMID: 24164096, 24355074). The frequency data for this variant in the population databases is considered unreliable, as metrics indicate poor data quality at this position in the gnomAD database. This variant has not been reported in the literature in individuals affected with ASAH1-related conditions. ClinVar contains an entry for this variant (Variation ID: 1323941). Algorithms developed to predict the effect of sequence changes on RNA splicing suggest that this variant may disrupt the consensus splice site. For these reasons, this variant has been classified as Pathogenic.

Fulgent Genetics
Classification: Likely pathogenic for Spinal muscular atrophy-progressive myoclonic epilepsy syndrome; Farber lipogranulomatosis. Last evaluated: 2021-09-14. Review status: criteria provided, single submitter. Criteria: ACMG Guidelines, 2015. Collection method: clinical testing. Allele origin: unknown.

PreventionGenetics, part of Exact Sciences
Classification: Likely pathogenic for ASAH1-related condition. Last evaluated: 2024-06-03. Review status: no assertion criteria provided. Collection method: clinical testing. Allele origin: germline. Not counted in ClinVar's aggregate classification.
Comment: The ASAH1 c.234G>A variant is predicted to result in premature protein termination (p.Trp78*). To our knowledge, this variant has not been reported in the literature. This variant is reported in 0.0018% of alleles in individuals of European (Non-Finnish) descent in gnomAD. Nonsense variants in ASAH1 are expected to be pathogenic. This variant is interpreted as likely pathogenic.

Literature cited by the submitters: PubMed 24164096 (cited by Labcorp Genetics (formerly Invitae), Labcorp); PubMed 24355074 (cited by Labcorp Genetics (formerly Invitae), Labcorp).

NM_177924.5(ASAH1):c.186G>A (p.Trp62Ter)

Gene: ASAH1 (N-acylsphingosine amidohydrolase 1; minus strand). Cytogenetic location: 8p22.
Variant type: single nucleotide variant.
Coding change: c.186G>A on transcript NM_177924.5 (MANE Select); coding-DNA position 186, G replaced by A.
Protein change: p.Trp62Ter; replaces tryptophan 62 with a stop codon.
Molecular consequence: nonsense. On other transcripts: 5 prime UTR variant (1).
Genome position (GRCh38, 1-based): chr8:18,071,330, C>T on the plus strand (G>A on the coding strand, the complement: ASAH1 is on the minus strand). VCF-style: chr8-18071330-C-T. GRCh37 (hg19) VCF-style: chr8-17928839-C-T.
Other names: c.255G>A, p.Trp85Ter (NM_001127505.3); c.-10G>A (NM_001363743.2); c.234G>A, p.Trp78Ter (NM_004315.6); c.234G>A (NM_004315.5); short protein forms W62*, W78*, W85*.
Identifiers: ClinVar variation 1323941 (VCV001323941.7), dbSNP rs769683272, ClinGen allele CA4650990.